The following is an entry in ClinVar:

NM_207361.6(FREM2):c.5059_5060inv (p.Glu1687Ser)

Gene: FREM2 (FRAS1 related extracellular matrix 2; plus strand). Cytogenetic location: 13q13.3.
Variant type: Inversion.
Coding change: c.5059_5060inv on transcript NM_207361.6 (MANE Select).
Protein change: p.Glu1687Ser; replaces glutamic acid 1687 with serine.
Molecular consequence: missense variant.
Genome position: GRCh38 VCF-style: chr13-38692403-GA-TC. GRCh37 (hg19) VCF-style: chr13-39266540-GA-TC.
Other names: c.5059_5060delinsTC (NM_207361.4, NM_207361.6); short protein forms E1687S.
Identifiers: ClinVar variation 289938 (VCV000289938.8), ClinGen allele CA10606602.
Genomic context (GRCh38, chr13:38,692,403, plus strand): 5'-CTTCGCACTCTAGCCACTGGCCACTTGGGGTTCATGATCACAAGCAAAATATTGAAAGTG[GA>TC]GGACAGAGACAGCTTACACATTTCTCTTAGATTTATCGTGACAGAGGCCCCTCAACATGG-3'
Protein context (NP_997244.4, residues 1677-1697): FMITSKILKV[Glu1687Ser]DRDSLHISLR

ClinVar aggregate classification (germline): Uncertain significance. Review status: criteria provided, multiple submitters, no conflicts (2 of 4 stars). 4 submissions from 4 submitters: Uncertain significance (4). Last evaluated 2023-03-20.

Conditions:
Isolated cryptophthalmia. Also called: Cryptophthalmos, unilateral or bilateral, isolated; ANKYLOBLEPHARON, SIMPLE. Identifiers: Orphanet 91396, MedGen C1852453, MONDO:0007410, OMIM 123570.
Fraser syndrome 2 (FRASRS2). Identifiers: MedGen C4540036, MONDO:0054738, OMIM 617666.

Submissions (4):

GeneDx
Classification: Uncertain significance. Last evaluated: 2023-03-20. Review status: criteria provided, single submitter. Criteria: GeneDx Variant Classification Process June 2021. Collection method: clinical testing. Allele origin: germline. Affected: yes.
Comment: In silico analysis supports a deleterious effect on protein structure/function; Has not been previously published as pathogenic or benign to our knowledge

Women's Health and Genetics/Laboratory Corporation of America, LabCorp
Classification: Uncertain significance. Last evaluated: 2022-03-01. Review status: criteria provided, single submitter. Criteria: LabCorp Variant Classification Summary - May 2015. Collection method: clinical testing. Allele origin: germline.
Comment: Variant summary: FREM2 c.5059_5060delinsTC (p.Glu1687Ser) results in a non-conservative amino acid change in the encoded protein sequence. Two of two in-silico tools predict a damaging effect of the variant on protein function. The variant allele represents a multinucleotide combination of 13-39266540-G-T (c.5059G>T, p.Glu1687Ter) and 13-39266541-A-C (c.5060A>C, p.Glu1687Ala) in cis and each are found at the same frequency of 6.4e-05 in 281682 control chromosomes (gnomAD). This frequency is not significantly higher than expected for a pathogenic variant in FREM2 causing Cryptophthalmos Syndrome (6.4e-05 vs 0.0013), allowing no conclusion about variant significance. To our knowledge, no occurrence of c.5059_5060delinsTC in individuals affected with Cryptophthalmos Syndrome and no experimental evidence demonstrating its impact on protein function have been reported. One clinical diagnostic laboratory has submitted clinical-significance assessments for this variant to ClinVar after 2014 without evidence for independent evaluation and classified the variant as uncertain significance. Based on the evidence outlined above, the variant was classified as uncertain significance.

Fulgent Genetics
Classification: Uncertain significance for Isolated cryptophthalmia; Fraser syndrome 2. Last evaluated: 2022-01-20. Review status: criteria provided, single submitter. Criteria: ACMG Guidelines, 2015. Collection method: clinical testing. Allele origin: unknown.

Eurofins Ntd Llc (ga)
Classification: Uncertain significance. Last evaluated: 2016-08-02. Review status: criteria provided, single submitter. Criteria: EGL Classification Definitions 2015. Collection method: clinical testing. Allele origin: germline. Observed: 1 variant allele, 1 heterozygote.